The following is an entry in ClinVar:

ClinVar aggregate classification (germline): Pathogenic (1 of 4 stars; one submission).

Submission:

Labcorp Genetics (formerly Invitae), Labcorp
Classification: Pathogenic. Last evaluated: 2023-02-14. Review status: criteria provided, single submitter. Criteria: Invitae Variant Classification Sherloc (09022015). Collection method: clinical testing. Allele origin: germline.
Comment: This variant has not been reported in the literature in individuals affected with TG-related conditions. For these reasons, this variant has been classified as Pathogenic. This variant is not present in population databases (gnomAD no frequency). This sequence change creates a premature translational stop signal (p.Gln559Lysfs*37) in the TG gene. It is expected to result in an absent or disrupted protein product. Loss-of-function variants in TG are known to be pathogenic (PMID: 19837936, 23164529).

Literature cited by the submitters: PubMed 19837936; PubMed 23164529.

NM_003235.5(TG):c.1675del (p.Gln559fs)

Gene: TG (thyroglobulin; plus strand). Cytogenetic location: 8q24.22.
Variant type: Deletion.
Coding change: c.1675del on transcript NM_003235.5 (MANE Select); coding-DNA position 1675, one base deleted (C; older notation c.1675delC).
Protein change: p.Gln559fs; shifts the reading frame from glutamine 559.
Molecular consequence: frameshift variant.
Genome position (GRCh38, 1-based): chr8:132,887,047, C deleted. VCF-style (leftmost placement, unchanged base first): chr8-132887046-AC-A. GRCh37 (hg19) VCF-style: chr8-133899291-AC-A.
Other names: short protein forms Q559fs.
Identifiers: ClinVar variation 2836991 (VCV002836991.3), dbSNP rs2489821129, ClinGen allele CA2739268987.
Genomic context (GRCh38, chr8:132,887,046, plus strand): 5'-TAAGAAGGATGGTACTATGAATAAGCCAACTGTGGGCAGCTTTGGCTTTGAAATTAACCT[AC>A]AAGAGAACCAAAATGCCCTCAAATTCCTTGCTTCTCTCCTGGAGCTTCCAGAATTCCTTC-3'